The following is an entry in ClinVar:

ClinVar aggregate classification (germline): Pathogenic/Likely pathogenic. Review status: criteria provided, multiple submitters, no conflicts (2 of 4 stars). 2 submissions from 2 submitters: Pathogenic (1); Likely pathogenic (1). Last evaluated 2022-09-21.

Allele frequency attached by ClinVar (database versions not stated): gnomAD exomes below 0.00001.
gnomAD v4.1: 3 of 1,614,106 alleles (0.00019%); highest among the groups gnomAD compares: Non-Finnish European, 0.00025%; no homozygotes.

Submissions (2):

Labcorp Genetics (formerly Invitae), Labcorp
Classification: Pathogenic. Last evaluated: 2022-09-21. Review status: criteria provided, single submitter. Criteria: Invitae Variant Classification Sherloc (09022015). Collection method: clinical testing. Allele origin: germline.
Comment: For these reasons, this variant has been classified as Pathogenic. This variant has not been reported in the literature in individuals affected with SPTA1-related conditions. This variant is not present in population databases (gnomAD no frequency). This sequence change creates a premature translational stop signal (p.Gln2107*) in the SPTA1 gene. It is expected to result in an absent or disrupted protein product. Loss-of-function variants in SPTA1 are known to be pathogenic (PMID: 9192783, 18815189, 31333484, 31723846, 32266426).

Revvity Omics, Revvity
Classification: Likely pathogenic. Last evaluated: 2022-05-06. Review status: criteria provided, single submitter. Criteria: ACMG Guidelines, 2015. Collection method: clinical testing. Allele origin: germline.

Literature cited by the submitters: PubMed 9192783 (cited by Labcorp Genetics (formerly Invitae), Labcorp); PubMed 18815189 (cited by Labcorp Genetics (formerly Invitae), Labcorp); PubMed 31333484 (cited by Labcorp Genetics (formerly Invitae), Labcorp); PubMed 31723846 (cited by Labcorp Genetics (formerly Invitae), Labcorp); PubMed 32266426 (cited by Labcorp Genetics (formerly Invitae), Labcorp).

NM_003126.4(SPTA1):c.6319C>T (p.Gln2107Ter)

Gene: SPTA1 (spectrin alpha, erythrocytic 1; minus strand). Cytogenetic location: 1q23.1.
Variant type: single nucleotide variant.
Coding change: c.6319C>T on transcript NM_003126.4 (MANE Select); coding-DNA position 6319, C replaced by T.
Protein change: p.Gln2107Ter; replaces glutamine 2107 with a stop codon.
Molecular consequence: nonsense.
Genome position (GRCh38, 1-based): chr1:158,620,268, G>A on the plus strand (C>T on the coding strand, the complement: SPTA1 is on the minus strand). VCF-style: chr1-158620268-G-A. GRCh37 (hg19) VCF-style: chr1-158590058-G-A.
Other names: short protein forms Q2107*.
Identifiers: ClinVar variation 2031673 (VCV002031673.7), dbSNP rs974172420, ClinGen allele CA31256300.